The following is an entry in ClinVar:

NM_170675.5(MEIS2):c.574A>G (p.Arg192Gly)

Gene: MEIS2 (Meis homeobox 2; minus strand). Cytogenetic location: 15q14.
Variant type: single nucleotide variant.
Coding change: c.574A>G on transcript NM_170675.5 (MANE Select); coding-DNA position 574, A replaced by G.
Protein change: p.Arg192Gly; replaces arginine 192 with glycine.
Molecular consequence: missense variant. On other transcripts: non-coding transcript variant (1).
Genome position (GRCh38, 1-based): chr15:37,093,646, T>C on the plus strand (A>G on the coding strand, the complement: MEIS2 is on the minus strand). VCF-style: chr15-37093646-T-C. GRCh37 (hg19) VCF-style: chr15-37385847-T-C.
Other names: c.574A>G, p.Arg192Gly (NM_001220482.2, NM_170674.5, NM_170676.5 and 1 more transcripts); c.535A>G, p.Arg179Gly (NM_002399.4, NM_172315.3); c.310A>G, p.Arg104Gly (NM_172316.3); short protein forms R104G, R179G, R192G.
Identifiers: ClinVar variation 1722874 (VCV001722874.4), dbSNP rs2505226806, ClinGen allele CA391927758.

ClinVar aggregate classification (germline): Uncertain significance (1 of 4 stars; one submission).

Submission:

GeneDx
Classification: Uncertain significance. Last evaluated: 2026-10-26. Review status: criteria provided, single submitter. Criteria: GeneDx Variant Classification Process June 2021. Collection method: clinical testing. Allele origin: germline.
Comment: Not observed at significant frequency in large population cohorts (gnomAD); In silico analysis supports that this missense variant has a deleterious effect on protein structure/function; Has not been previously published as pathogenic or benign to our knowledge